The following is an entry in ClinVar:

ClinVar aggregate classification (germline): Likely pathogenic. Review status: reviewed by expert panel (3 of 4 stars). 2 submissions from 2 submitters: Likely pathogenic (1). 1 of the submissions does not count toward it. Last evaluated 2024-03-25.

Conditions:
Creatine transporter deficiency (CCDS1). Also called: SLC6A8-Related Creatine Transporter Deficiency; Creatine Transporter (CRTR) Deficiency; CREATINE TRANSPORTER DEFECT; CEREBRAL CREATINE DEFICIENCY SYNDROME 1; Mental retardation , X-linked with seizures, short stature and midface hypoplasia; Mental retardation , X-linked, with creatine transport deficiency. Identifiers: Orphanet 52503, MedGen C1845862, MONDO:0010305, OMIM 300352.

Submissions (2):

ClinGen Cerebral Creatine Deficiency Syndromes Variant Curation Expert Panel, ClinGen
Classification: Likely pathogenic for Creatine transporter deficiency. Last evaluated: 2024-03-25. Review status: reviewed by expert panel. Criteria: ClinGen_CCDS_ACMG_Specifications_SLC6A8_v1.1. Collection method: curation. Allele origin: germline. Inheritance: X-linked inheritance.
Comment: The NM_005629.4:c.1472G>A variant is a missense variant predicted to cause a substitution of a cysteine for a tryptophan at amino acid position 491 (p.Cys491Trp). This variant was reported to result in reduced (<10% of wild-type) creatine transport activity in SLC6A8 deficient fibroblasts, measured with 25uM creatine (PMID: 22281021) (PS3_Supporting). This variant is absent from gnomAD v2.1.1 (PM2_Supporting). The computational predictor REVEL gives a score of 0.751 which is above the threshold of 0.75, evidence that correlates with impact to SLC6A8 function (PP3). There is a ClinVar entry for this variant (Variation ID: 11704). In summary, this variant meets criteria to be classified as likely pathogenic for creatine transporter deficiency. SLC6A8-specific criteria applied, as specified by the ClinGen CCDS VCEP (Specifications Version 1.1.0): PS3_Supporting, PM2_Supporting, PP3, PP4_Strong. (Classification approved by the ClinGen CCDS VCEP on March 25, 2024).

OMIM
Classification: Pathogenic for CEREBRAL CREATINE DEFICIENCY SYNDROME 1. Last evaluated: 2006-11-14. Review status: no assertion criteria provided. Collection method: literature only. Allele origin: germline. Not counted in ClinVar's aggregate classification.

Literature cited by the submitters: PubMed 17101918 (cited by OMIM).

NM_005629.4(SLC6A8):c.1473C>G (p.Cys491Trp)

Gene: SLC6A8 (solute carrier family 6 member 8; plus strand). Cytogenetic location: Xq28.
Variant type: single nucleotide variant.
Coding change: c.1473C>G on transcript NM_005629.4 (MANE Select); coding-DNA position 1473, C replaced by G.
Protein change: p.Cys491Trp; replaces cysteine 491 with tryptophan.
Molecular consequence: missense variant.
Genome position (GRCh38, 1-based): chrX:153,694,424, C>G. VCF-style: chrX-153694424-C-G. GRCh37 (hg19) VCF-style: chrX-152959879-C-G.
Other names: NM_005629.4(SLC6A8):c.1473C>G; c.1443C>G, p.Cys481Trp (NM_001142805.2); c.1128C>G, p.Cys376Trp (NM_001142806.1); short protein forms C491W, C481W, C376W.
Identifiers: ClinVar variation 11704 (VCV000011704.4), dbSNP rs122453118, ClinGen allele CA256015.